The following is an entry in ClinVar:

NM_015365.3(AMMECR1):c.794G>A (p.Trp265Ter)

Gene: AMMECR1 (AMMECR nuclear protein 1; minus strand). Cytogenetic location: Xq23.
Variant type: single nucleotide variant.
Coding change: c.794G>A on transcript NM_015365.3 (MANE Select); coding-DNA position 794, G replaced by A.
Protein change: p.Trp265Ter; replaces tryptophan 265 with a stop codon.
Molecular consequence: nonsense.
Genome position (GRCh38, 1-based): chrX:110,201,047, C>T on the plus strand (G>A on the coding strand, the complement: AMMECR1 is on the minus strand). VCF-style: chrX-110201047-C-T. GRCh37 (hg19) VCF-style: chrX-109444275-C-T.
Other names: c.683G>A, p.Trp228Ter (NM_001025580.2); c.425G>A, p.Trp142Ter (NM_001171689.2); short protein forms W142*, W228*, W265*.
Identifiers: ClinVar variation 1254296 (VCV001254296.3), dbSNP rs2148162290, ClinGen allele CA414222193.

ClinVar aggregate classification (germline): Pathogenic (1 of 4 stars; one submission).

Submission:

GeneDx
Classification: Pathogenic. Last evaluated: 2026-07-28. Review status: criteria provided, single submitter. Criteria: GeneDx Variant Classification Process June 2021. Collection method: clinical testing. Allele origin: germline.
Comment: Nonsense variant predicted to result in protein truncation or nonsense mediated decay in a gene for which loss of function is a known mechanism of disease; Not observed at significant frequency in large population cohorts (gnomAD); Has not been previously published as pathogenic or benign to our knowledge